The following is an entry in ClinVar:

ClinVar aggregate classification (germline): Benign/Likely benign. Review status: criteria provided, single submitter (1 of 4 stars). 2 submissions from 1 submitter: Benign (1); Likely benign (1). Last evaluated 2018-01-13.

Conditions:
Branchiootic syndrome 3 (BOS3). Also called: BO SYNDROME 3. Identifiers: MedGen C1842124, MONDO:0012025, OMIM 608389.
Autosomal dominant nonsyndromic hearing loss 23. Identifiers: Orphanet 90635, MedGen C1854594, MONDO:0011519, OMIM 605192.

Allele frequency attached by ClinVar (database versions not stated): gnomAD 0.00014 and 0.00020; TOPMed 0.00035; 1000 Genomes Project 0.00140; 1000 Genomes Project 30x 0.00172.
gnomAD v4.1: 30 of 151,626 alleles (0.02%); highest among the groups gnomAD compares: East Asian, 0.58%; no homozygotes.

Submissions (2):

Illumina Laboratory Services, Illumina
Classification: Likely benign for Autosomal dominant nonsyndromic hearing loss 23. Last evaluated: 2018-01-13. Review status: criteria provided, single submitter. Criteria: ICSL Variant Classification Criteria 13 December 2019. Collection method: clinical testing. Allele origin: germline.
Comment: This variant was observed in the ICSL laboratory as part of a predisposition screen in an ostensibly healthy population. It had not been previously curated by ICSL or reported in the Human Gene Mutation Database (HGMD: prior to June 1st, 2018), and was therefore a candidate for classification through an automated scoring system. Utilizing variant allele frequency, disease prevalence and penetrance estimates, and inheritance mode, an automated score was calculated to assess if this variant is too frequent to cause the disease. Based on the score and internal cut-off values, a variant classified as likely benign is not then subjected to further curation. The score for this variant resulted in a classification of likely benign for this disease.

Illumina Laboratory Services, Illumina
Classification: Benign for Branchiootic syndrome 3. Last evaluated: 2018-01-13. Review status: criteria provided, single submitter. Criteria: ICSL Variant Classification Criteria 13 December 2019. Collection method: clinical testing. Allele origin: germline.
Comment: This variant was observed in the ICSL laboratory as part of a predisposition screen in an ostensibly healthy population. It had not been previously curated by ICSL or reported in the Human Gene Mutation Database (HGMD: prior to June 1st, 2018), and was therefore a candidate for classification through an automated scoring system. Utilizing variant allele frequency, disease prevalence and penetrance estimates, and inheritance mode, an automated score was calculated to assess if this variant is too frequent to cause the disease. Based on the score and internal cut-off values, a variant classified as benign is not then subjected to further curation. The score for this variant resulted in a classification of benign for this disease.

NM_005982.4(SIX1):c.*1044G>T

Gene: SIX1 (SIX homeobox 1; minus strand). Cytogenetic location: 14q23.1.
Variant type: single nucleotide variant.
Coding change: c.*1044G>T on transcript NM_005982.4 (MANE Select); 1044 bases downstream of the stop codon, G replaced by T.
Molecular consequence: 3 prime UTR variant.
Genome position (GRCh38, 1-based): chr14:60,645,239, C>A on the plus strand (G>T on the coding strand, the complement: SIX1 is on the minus strand). VCF-style: chr14-60645239-C-A. GRCh37 (hg19) VCF-style: chr14-61111957-C-A.
Identifiers: ClinVar variation 313445 (VCV000313445.5), dbSNP rs3742637, ClinGen allele CA10645508.